The following is an entry in ClinVar:

NM_001282933.2(ZNF341):c.1564C>G (p.Gln522Glu)

Gene: ZNF341 (zinc finger protein 341; plus strand). Cytogenetic location: 20q11.22.
Variant type: single nucleotide variant.
Coding change: c.1564C>G on transcript NM_001282933.2 (MANE Select); coding-DNA position 1564, C replaced by G.
Protein change: p.Gln522Glu; replaces glutamine 522 with glutamic acid.
Molecular consequence: missense variant. On other transcripts: non-coding transcript variant (1).
Genome position (GRCh38, 1-based): chr20:33,770,234, C>G. VCF-style: chr20-33770234-C-G. GRCh37 (hg19) VCF-style: chr20-32358040-C-G.
Other names: c.1294C>G, p.Gln432Glu (NM_001282935.2); c.1543C>G, p.Gln515Glu (NM_032819.5); short protein forms Q432E, Q522E, Q515E.
Identifiers: ClinVar variation 1493919 (VCV001493919.3), dbSNP rs904052265, ClinGen allele CA313350596.

ClinVar aggregate classification (germline): Uncertain significance (1 of 4 stars; one submission).

Allele frequency attached by ClinVar (database versions not stated): gnomAD 0.00001; TOPMed 0.00001.
gnomAD v4.1: 6 of 1,613,498 alleles (0.00037%); highest among the groups gnomAD compares: Non-Finnish European, 0.00051%; no homozygotes.

Submission:

Labcorp Genetics (formerly Invitae), Labcorp
Classification: Uncertain significance. Last evaluated: 2022-07-12. Review status: criteria provided, single submitter. Criteria: Invitae Variant Classification Sherloc (09022015). Collection method: clinical testing. Allele origin: germline.
Comment: This sequence change replaces glutamine, which is neutral and polar, with glutamic acid, which is acidic and polar, at codon 515 of the ZNF341 protein (p.Gln515Glu). This variant is not present in population databases (gnomAD no frequency). This variant has not been reported in the literature in individuals affected with ZNF341-related conditions. ClinVar contains an entry for this variant (Variation ID: 1493919). Algorithms developed to predict the effect of missense changes on protein structure and function are either unavailable or do not agree on the potential impact of this missense change (SIFT: "Deleterious"; PolyPhen-2: "Probably Damaging"; Align-GVGD: "Class C0"). In summary, the available evidence is currently insufficient to determine the role of this variant in disease. Therefore, it has been classified as a Variant of Uncertain Significance.